The following is an entry in ClinVar:

ClinVar aggregate classification (germline): Uncertain significance. Review status: criteria provided, multiple submitters, no conflicts (2 of 4 stars). 14 submissions from 14 submitters: Uncertain significance (13). 1 of the submissions does not count toward it. Last evaluated 2026-05-26.

Conditions:
PALB2-related disorder. Also called: PALB2-related disorders; PALB2-related condition.
Hereditary cancer-predisposing syndrome. Also called: Neoplastic Syndromes, Hereditary; Tumor predisposition; Hereditary Cancer Syndrome; Hereditary neoplastic syndrome. Identifiers: Orphanet 140162, MedGen C0027672, MeSH D009386, MONDO:0015356.
Pancreatic cancer, susceptibility to, 3. Identifiers: Orphanet 1333, MedGen C3150547, MONDO:0013236, OMIM 613348.
Familial cancer of breast. Also called: hereditary breast carcinoma; BREAST CANCER, FAMILIAL; Hereditary breast cancer. Identifiers: Orphanet 227535, MedGen C0346153, MONDO:0016419, OMIM 114480. Disease mechanism: loss of function.
Fanconi anemia complementation group N. Also called: PALB2-Related Fanconi Anemia. Identifiers: Orphanet 84, MedGen C1835817, MONDO:0012565, OMIM 610832. Disease mechanism: loss of function.
Hereditary breast ovarian cancer syndrome. Also called: BRCA1- and BRCA2-Associated Hereditary Breast and Ovarian Cancer; Hereditary breast and ovarian cancer syndrome; Hereditary breast and ovarian cancer syndrome (HBOC); Breast and ovarian cancer; Hereditary breast and ovarian cancer; Hereditary breast and/or ovarian cancer syndrome. Identifiers: Orphanet 145, MedGen C0677776, MeSH D061325, MONDO:0003582. Disease mechanism: loss of function.

Allele frequency attached by ClinVar (database versions not stated): 1000 Genomes Project 30x 0.00016; 1000 Genomes Project 0.00020.
gnomAD v4.1: 30 of 1,614,062 alleles (0.0019%); highest among the groups gnomAD compares: East Asian, 0.0045%; no homozygotes.

Submissions 1 to 8 of 14:

PreventionGenetics, part of Exact Sciences
Classification: Uncertain significance for PALB2-related condition. Last evaluated: 2026-05-26. Review status: criteria provided, single submitter. Criteria: ACMG Guidelines, 2015. Collection method: clinical testing. Allele origin: germline.
Comment: The PALB2 c.3296C>T variant is predicted to result in the amino acid substitution p.Thr1099Met. This variant has been reported in multiple individuals with breast or prostate cancer (Zhang et al. 2017. PubMed ID: 28825143; Supplementary Data 1, Momozawa et al. 2018. PubMed ID: 30287823), in an individual with a family history of pancreatic and prostate cancer (Rapposelli et al. 2021. PubMed ID: 34034685) and in an individual with gastric cancer (Supp. Table 1, Zhang et al. 2023. PubMed ID: 36627197). Experimental studies showed this variant does not negatively impact PALB2 function (Wu et al. 2022. PubMed ID: 35853885). This variant is reported in 0.0099% of alleles in individuals of Ashkenazi Jewish descent in gnomAD and is interpreted as a variant of uncertain significance in ClinVar (Variation ID: 410162). At this time, the clinical significance of this variant is uncertain due to the absence of conclusive functional and genetic evidence.

Labcorp Genetics (formerly Invitae), Labcorp
Classification: Uncertain significance for Familial cancer of breast. Last evaluated: 2026-01-28. Review status: criteria provided, single submitter. Criteria: Invitae Variant Classification Sherloc (09022015). Collection method: clinical testing. Allele origin: germline.
Comment: This sequence change replaces threonine, which is neutral and polar, with methionine, which is neutral and non-polar, at codon 1099 of the PALB2 protein (p.Thr1099Met). This variant is present in population databases (rs142132127, gnomAD 0.006%). This missense change has been observed in individual(s) with breast cancer and/or prostate cancer (PMID: 28825143, 30287823, 30982232, 31214711). ClinVar contains an entry for this variant (Variation ID: 410162). An algorithm developed to predict the effect of missense changes on protein structure and function (PolyPhen-2) suggests that this variant is likely to be disruptive. Experimental studies have shown that this missense change does not substantially affect PALB2 function (PMID: 35853885). In summary, the available evidence is currently insufficient to determine the role of this variant in disease. Therefore, it has been classified as a Variant of Uncertain Significance.

Quest Diagnostics Nichols Institute San Juan Capistrano
Classification: Uncertain significance. Last evaluated: 2025-08-28. Review status: criteria provided, single submitter. Criteria: Quest Diagnostics criteria. Collection method: clinical testing. Allele origin: unknown.
Comment: The PALB2 c.3296C>T (p.Thr1099Met) variant has been reported in the published literature in individuals with pancreatic cancer (PMID: 34034685 (2021)), prostate cancer (PMID: 31214711 (2020)), gastric cancer (PMID: 36627197 (2023)), and breast cancer (PMIDs: 30982232 (2019), 30287823 (2018), 28779002 (2017), 28825143 (2017)). Assessment of experimental evidence suggests that this variant is not damaging to protein function (PMID: 35853885 (2022)). The frequency of this variant in the general population (Genome Aggregation Database) is uninformative in the assessment of its pathogenicity. Analysis of this variant using bioinformatics tools for the prediction of the effect of amino acid changes on protein structure and function yielded conflicting predictions that this variant is benign or damaging. Based on the available information, we are unable to determine the clinical significance of this variant.

Women's Health and Genetics/Laboratory Corporation of America, LabCorp
Classification: Uncertain significance. Last evaluated: 2025-04-28. Review status: criteria provided, single submitter. Criteria: LabCorp Variant Classification Summary - May 2015. Collection method: clinical testing. Allele origin: germline.
Comment: Variant summary: PALB2 c.3296C>T (p.Thr1099Met) results in a non-conservative amino acid change in the encoded protein sequence. Four of five in-silico tools predict a damaging effect of the variant on protein function. The variant allele was found at a frequency of 1.2e-05 in 251484 control chromosomes (gnomAD). The available data on variant occurrences in the general population are insufficient to allow any conclusion about variant significance. c.3296C>T has been observed in individuals affected with breast cancer, prostate cancer, biliary tract cancer, or gastric cancer without strong evidence of causality (e.g., Zhang_2017, Momozawa_2018, Momozawa_2019, Wang_2019, Okawa_2023, Zhang_2023). These reports do not provide unequivocal conclusions about association of the variant with Prostate Cancer. At least one publication reports experimental evidence evaluating an impact on protein function. These results showed no damaging effect of this variant on MR function (Wu_2022). The following publications have been ascertained in the context of this evaluation (PMID: 28825143, 30982232, 36627197, 35853885, 36243179, 30287823, 31214711). ClinVar contains an entry for this variant (Variation ID: 410162). Based on the evidence outlined above, the variant was classified as uncertain significance.

Ambry Genetics
Classification: Uncertain significance for Hereditary cancer-predisposing syndrome. Last evaluated: 2025-04-15. Review status: criteria provided, single submitter. Criteria: Ambry Variant Classification Scheme 2023. Collection method: clinical testing. Allele origin: germline.
Comment: The p.T1099M variant (also known as c.3296C>T), located in coding exon 12 of the PALB2 gene, results from a C to T substitution at nucleotide position 3296. The threonine at codon 1099 is replaced by methionine, an amino acid with similar properties. This alteration has been reported in multiple individuals with breast cancer (Zhang K et al. Breast Cancer Res. Treat., 2017 Dec;166:865-873; Decker B et al. J. Med. Genet., 2017 11;54:732-741; Momozawa Y et al. Nat Commun, 2018 10;9:4083). This alteration was also identified in an individual diagnosed with pancreatic cancer (Rapposelli IG et al. BMC Cancer, 2021 May;21:611). This amino acid position is highly conserved in available vertebrate species. In addition, the in silico prediction for this alteration is inconclusive. Based on the available evidence, the clinical significance of this variant remains unclear.

Color Diagnostics, LLC DBA Color Health
Classification: Uncertain significance for Hereditary cancer-predisposing syndrome. Last evaluated: 2025-03-17. Review status: criteria provided, single submitter. Criteria: ACMG Guidelines, 2015. Collection method: clinical testing. Allele origin: germline.
Comment: This missense variant replaces threonine with methionine at codon 1099 of the PALB2 protein. Computational prediction tool suggests that this variant may not impact protein structure and function. A functional study has reported that this variant has no statistically significant impact on PALB2 function compared to wild-type in a homology-directed DNA repair assay (PMID: 35853885). This variant has been reported in at least three individuals affected with breast cancer (PMID: 28825143, 30287823, 33471991, 35853885) and two individuals affected with prostate cancer (PMID: 31214711). This variant has been identified in 3/251484 chromosomes in the general population by the Genome Aggregation Database (gnomAD). The available evidence is insufficient to determine the role of this variant in disease conclusively. Therefore, this variant is classified as a Variant of Uncertain Significance.

Center for Genomic Medicine, Rigshospitalet, Copenhagen University Hospital
Classification: Uncertain significance. Last evaluated: 2025-03-04. Review status: criteria provided, single submitter. Criteria: ACMG Guidelines, 2015. Collection method: clinical testing. Allele origin: germline.

German Consortium for Hereditary Breast and Ovarian Cancer, University Hospital Cologne
Classification: Uncertain significance for Hereditary breast ovarian cancer syndrome. Last evaluated: 2024-11-11. Review status: criteria provided, single submitter. Criteria: ClinGen PALB2 V1.1.0. Collection method: curation. Allele origin: germline.
Comment: According to the ClinGen ACMG PALB2 v1.1.0 criteria we chose this criterion: BP1 (supporting benign): Based on published and unpublished functional studies, PALB2 has a low rate of missense variants that are non-functional in relevant assays. True missense pathogenic variants are not yet confirmed or refuted but are thought to be exceedingly rare. Given the very low likelihood that missense variants are pathogenic, this rule applies to all missense variants in PALB2.

NM_024675.4(PALB2):c.3296C>T (p.Thr1099Met)

Gene: PALB2 (partner and localizer of BRCA2; minus strand). Cytogenetic location: 16p12.2.
Variant type: single nucleotide variant.
Coding change: c.3296C>T on transcript NM_024675.4 (MANE Select); coding-DNA position 3296, C replaced by T.
Protein change: p.Thr1099Met; replaces threonine 1099 with methionine.
Molecular consequence: missense variant.
Genome position (GRCh38, 1-based): chr16:23,607,918, G>A on the plus strand (C>T on the coding strand, the complement: PALB2 is on the minus strand). VCF-style: chr16-23607918-G-A. GRCh37 (hg19) VCF-style: chr16-23619239-G-A.
Other names: short protein forms T1099M.
Identifiers: ClinVar variation 410162 (VCV000410162.36), dbSNP rs142132127, ClinGen allele CA7963388.